The following is an entry in ClinVar:

NM_001330260.2(SCN8A):c.5710C>T (p.Arg1904Cys)

Gene: SCN8A (sodium voltage-gated channel alpha subunit 8; plus strand). Cytogenetic location: 12q13.13.
Variant type: single nucleotide variant.
Coding change: c.5710C>T on transcript NM_001330260.2 (MANE Select); coding-DNA position 5710, C replaced by T.
Protein change: p.Arg1904Cys; replaces arginine 1904 with cysteine.
Molecular consequence: missense variant.
Genome position (GRCh38, 1-based): chr12:51,807,196, C>T. VCF-style: chr12-51807196-C-T. GRCh37 (hg19) VCF-style: chr12-52200980-C-T.
Other names: c.5710C>T (NM_014191.2); c.5587C>T, p.Arg1863Cys (NM_001177984.3, NM_001369788.1); c.5710C>T, p.Arg1904Cys (NM_014191.4); short protein forms R1904C, R1863C.
Identifiers: ClinVar variation 530423 (VCV000530423.14), dbSNP rs367984544, ClinGen allele CA6571941.

ClinVar aggregate classification (germline): Conflicting classifications of pathogenicity. Review status: criteria provided, conflicting classifications (1 of 4 stars). 4 submissions from 4 submitters: Uncertain significance (3); Likely benign (1). Last evaluated 2025-12-21.

Conditions:
Complex neurodevelopmental disorder. Identifiers: Orphanet 528084, MedGen C5568766, MONDO:0100038.
Inborn genetic diseases. Identifiers: MedGen C0950123, MeSH D030342.
Early-infantile DEE. Also called: Ohtahara syndrome; Early infantile epileptic encephalopathy with suppression bursts; Early infantile epileptic encephalopathy. Identifiers: Orphanet 1934, MedGen C0393706, MONDO:0800491.

Allele frequency attached by ClinVar (database versions not stated): ExAC 0.00001; gnomAD 0.00001; gnomAD exomes 0.00001; TOPMed 0.00001.
gnomAD v4.1: 13 of 1,613,826 alleles (0.00081%); highest among the groups gnomAD compares: Admixed American, 0.0033%; no homozygotes.

Submissions (4):

Labcorp Genetics (formerly Invitae), Labcorp
Classification: Uncertain significance for Early-infantile DEE. Last evaluated: 2025-12-21. Review status: criteria provided, single submitter. Criteria: Invitae Variant Classification Sherloc (09022015). Collection method: clinical testing. Allele origin: germline.
Comment: This sequence change replaces arginine, which is basic and polar, with cysteine, which is neutral and slightly polar, at codon 1904 of the SCN8A protein (p.Arg1904Cys). This variant is present in population databases (rs367984544, gnomAD 0.003%). This missense change has been observed in individuals with clinical features of SCN8A-related conditions (PMID: 31335965, 33004838; internal data). This variant is also known as c.5743C>T (p.Arg1915Cys). ClinVar contains an entry for this variant (Variation ID: 530423). Invitae Evidence Modeling of protein sequence and biophysical properties (such as structural, functional, and spatial information, amino acid conservation, physicochemical variation, residue mobility, and thermodynamic stability) indicates that this missense variant is not expected to disrupt SCN8A protein function with a negative predictive value of 95%. In summary, the available evidence is currently insufficient to determine the role of this variant in disease. Therefore, it has been classified as a Variant of Uncertain Significance.

Blueprint Genetics
Classification: Likely benign. Last evaluated: 2024-10-10. Review status: criteria provided, single submitter. Criteria: ACMG Guidelines, 2015. Collection method: clinical testing. Allele origin: germline.

Molecular Genetics, Royal Melbourne Hospital
Classification: Uncertain significance for Complex neurodevelopmental disorder. Last evaluated: 2024-01-05. Review status: criteria provided, single submitter. Criteria: ACMG Guidelines, 2015. Collection method: clinical testing. Allele origin: germline. Inheritance: Autosomal dominant inheritance. Affected: yes.
Comment: This sequence change in SCN8A is predicted to replace arginine with cysteine at codon 1904, p.(Arg1904Cys). The arginine residue is highly conserved (100 vertebrates, Multiz Alignments), and is located in the cytoplasmic domain. There is a large physicochemical difference between arginine and cysteine. The highest population minor allele frequency in the population database gnomAD v4.0 is 0.003% (2/60,008 alleles) in the Admixed American population. This variant has been reported in two unrelated individuals with epilepsy phenotypes (PMID: 31887642, 31335965). Computational evidence predicts a benign effect for the missense substitution (REVEL = 0.205). Based on the classification scheme RMH Modified ACMG/AMP Guidelines v1.6.1, this variant is classified as a VARIANT OF UNCERTAIN SIGNIFICANCE. Following criteria are met: BP4

Ambry Genetics
Classification: Uncertain significance for Inborn genetic diseases. Last evaluated: 2022-12-29. Review status: criteria provided, single submitter. Criteria: Ambry Variant Classification Scheme 2023. Collection method: clinical testing. Allele origin: germline.

Literature cited by the submitters: PubMed 31335965 (cited by Labcorp Genetics (formerly Invitae), Labcorp and Molecular Genetics, Royal Melbourne Hospital); PubMed 33004838 (cited by Labcorp Genetics (formerly Invitae), Labcorp and Ambry Genetics); PubMed 31887642 (cited by Molecular Genetics, Royal Melbourne Hospital and Ambry Genetics).